The following is an entry in ClinVar:

NC_000005.9:g.(?_64096055)_(64100233_?)del

Gene: CWC27 (CWC27 spliceosome associated cyclophilin; plus strand). Cytogenetic location: 5q12.3.
Variant type: Deletion.
Identifiers: ClinVar variation 2425427 (VCV002425427.4).

ClinVar aggregate classification (germline): Pathogenic (1 of 4 stars; one submission).

Submission:

Labcorp Genetics (formerly Invitae), Labcorp
Classification: Pathogenic. Last evaluated: 2022-06-03. Review status: criteria provided, single submitter. Criteria: Invitae Variant Classification Sherloc (09022015). Collection method: clinical testing. Allele origin: germline.
Comment: For these reasons, this variant has been classified as Pathogenic. This variant has not been reported in the literature in individuals affected with CWC27-related conditions. This variant is a gross deletion of the genomic region encompassing exon(s) 8-10 of the CWC27 gene. This deletion is out-of-frame, and is expected to create a premature termination codon and result in an absent or disrupted protein product. Loss-of-function variants in CWC27 are known to be pathogenic (PMID: 28285769).

Literature cited by the submitters: PubMed 28285769.